The following is an entry in ClinVar:

NM_003998.4(NFKB1):c.1114del (p.Ser372fs)

Gene: NFKB1 (nuclear factor kappa B subunit 1; plus strand). Cytogenetic location: 4q24.
Variant type: Deletion.
Coding change: c.1114del on transcript NM_003998.4 (MANE Select); coding-DNA position 1114, one base deleted (T; older notation c.1114delT).
Protein change: p.Ser372fs; shifts the reading frame from serine 372.
Molecular consequence: frameshift variant.
Genome position (GRCh38, 1-based): chr4:102,593,472, T deleted; the last of 5 consecutive T bases (chr4:102,593,468-102,593,472); deleting any one gives the same sequence. VCF-style (leftmost placement, unchanged base first): chr4-102593467-AT-A. GRCh37 (hg19) VCF-style: chr4-103514624-AT-A.
Other names: c.1111del, p.Ser371fs (NM_001165412.2, NM_001319226.2, NM_001382627.1); c.1114del, p.Ser372fs (NM_001382625.1, NM_001382626.1); c.1072del, p.Ser358fs (NM_001382628.1); short protein forms S358fs, S372fs, S371fs.
Identifiers: ClinVar variation 1455978 (VCV001455978.6), dbSNP rs2149203324, ClinGen allele CA2573137752.

ClinVar aggregate classification (germline): Pathogenic (1 of 4 stars; one submission).

Submission:

Labcorp Genetics (formerly Invitae), Labcorp
Classification: Pathogenic. Last evaluated: 2021-06-13. Review status: criteria provided, single submitter. Criteria: Invitae Variant Classification Sherloc (09022015). Collection method: clinical testing. Allele origin: germline.
Comment: For these reasons, this variant has been classified as Pathogenic. This sequence change creates a premature translational stop signal (p.Ser372Argfs*60) in the NFKB1 gene. It is expected to result in an absent or disrupted protein product. Loss-of-function variants in NFKB1 are known to be pathogenic (PMID: 26279205, 29477724). This variant is not present in population databases (ExAC no frequency). This variant has not been reported in the literature in individuals with NFKB1-related conditions.

Literature cited by the submitters: PubMed 26279205; PubMed 29477724.